The following is an entry in ClinVar:

ClinVar aggregate classification (germline): Uncertain significance (1 of 4 stars; one submission).

gnomAD v4.1: 3 of 1,598,642 alleles (0.00019%); highest among the groups gnomAD compares: Admixed American, 0.0052%; no homozygotes.

Submission:

Labcorp Genetics (formerly Invitae), Labcorp
Classification: Uncertain significance. Last evaluated: 2024-03-20. Review status: criteria provided, single submitter. Criteria: Invitae Variant Classification Sherloc (09022015). Collection method: clinical testing. Allele origin: germline.
Comment: This sequence change replaces glutamic acid, which is acidic and polar, with glycine, which is neutral and non-polar, at codon 598 of the TNNI3K protein (p.Glu598Gly). This variant is present in population databases (rs747955097, gnomAD 0.009%). This variant has not been reported in the literature in individuals affected with TNNI3K-related conditions. An algorithm developed to predict the effect of missense changes on protein structure and function (PolyPhen-2) suggests that this variant is likely to be tolerated. In summary, the available evidence is currently insufficient to determine the role of this variant in disease. Therefore, it has been classified as a Variant of Uncertain Significance.

NM_015978.3(TNNI3K):c.1793A>G (p.Glu598Gly)

Genes: FPGT-TNNI3K (FPGT-TNNI3K readthrough; plus strand), TNNI3K (TNNI3 interacting kinase; plus strand). Cytogenetic location: 1p31.1.
Variant type: single nucleotide variant.
Coding change: c.1793A>G on transcript NM_015978.3 (MANE Select); coding-DNA position 1793, A replaced by G.
Protein change: p.Glu598Gly; replaces glutamic acid 598 with glycine.
Molecular consequence: missense variant.
Genome position (GRCh38, 1-based): chr1:74,436,100, A>G. VCF-style: chr1-74436100-A-G. GRCh37 (hg19) VCF-style: chr1-74901784-A-G.
Other names: c.2096A>G, p.Glu699Gly (NM_001112808.3, NM_001199327.2); short protein forms E598G, E699G.
Identifiers: ClinVar variation 3621553 (VCV003621553.2).